The following is an entry in ClinVar:

ClinVar aggregate classification (germline): Pathogenic (1 of 4 stars; one submission).

Submission:

Labcorp Genetics (formerly Invitae), Labcorp
Classification: Pathogenic. Last evaluated: 2025-07-06. Review status: criteria provided, single submitter. Criteria: Invitae Variant Classification Sherloc (09022015). Collection method: clinical testing. Allele origin: germline.
Comment: This sequence change creates a premature translational stop signal (p.Tyr248*) in the POLE gene. It is expected to result in an absent or disrupted protein product. Loss-of-function variants in POLE are known to be pathogenic (PMID: 23230001, 25948378, 30503519). This variant is not present in population databases (gnomAD no frequency). This variant has not been reported in the literature in individuals affected with POLE-related conditions. ClinVar contains an entry for this variant (Variation ID: 2034130). Algorithms developed to predict the effect of sequence changes on RNA splicing suggest that this variant may disrupt the consensus splice site. For these reasons, this variant has been classified as Pathogenic.

Literature cited by the submitters: PubMed 23230001; PubMed 25948378; PubMed 30503519.

NM_006231.4(POLE):c.744C>A (p.Tyr248Ter)

Gene: POLE (DNA polymerase epsilon, catalytic subunit; minus strand). Cytogenetic location: 12q24.33.
Variant type: single nucleotide variant.
Coding change: c.744C>A on transcript NM_006231.4 (MANE Select); coding-DNA position 744, C replaced by A.
Protein change: p.Tyr248Ter; replaces tyrosine 248 with a stop codon.
Molecular consequence: nonsense.
Genome position (GRCh38, 1-based): chr12:132,677,420, G>T on the plus strand (C>A on the coding strand, the complement: POLE is on the minus strand). VCF-style: chr12-132677420-G-T. GRCh37 (hg19) VCF-style: chr12-133254006-G-T.
Other names: short protein forms Y248*.
Identifiers: ClinVar variation 2034130 (VCV002034130.4), dbSNP rs2043079142, ClinGen allele CA387364511.